The following is an entry in ClinVar:

NM_000535.7(PMS2):c.2451G>A (p.Met817Ile)

Gene: PMS2 (PMS1 homolog 2, mismatch repair system component; minus strand). Cytogenetic location: 7p22.1.
Variant type: single nucleotide variant.
Coding change: c.2451G>A on transcript NM_000535.7 (MANE Select); coding-DNA position 2451, G replaced by A.
Protein change: p.Met817Ile; replaces methionine 817 with isoleucine.
Molecular consequence: missense variant. On other transcripts: non-coding transcript variant (1).
Genome position (GRCh38, 1-based): chr7:5,973,537, C>T on the plus strand (G>A on the coding strand, the complement: PMS2 is on the minus strand). VCF-style: chr7-5973537-C-T. GRCh37 (hg19) VCF-style: chr7-6013168-C-T.
Other names: c.2046G>A, p.Met682Ile (NM_001322003.2, NM_001322004.2, NM_001322005.2 and 11 more transcripts); c.2295G>A, p.Met765Ile (NM_001322006.2); c.2133G>A, p.Met711Ile (NM_001322007.2, NM_001322008.2, NM_001406883.1); c.2079G>A, p.Met693Ile (NM_001322009.2, NM_001406887.1, NM_001406888.1); c.1890G>A, p.Met630Ile (NM_001322010.2, NM_001406906.1, NM_001406907.1); c.1518G>A, p.Met506Ile (NM_001322011.2, NM_001322012.2); c.1878G>A, p.Met626Ile (NM_001322013.2, NM_001406908.1, NM_001406909.1); c.2484G>A, p.Met828Ile (NM_001322014.2); and 20 more; short protein forms M626I, M682I, M695I, M705I, M776I, M817I, M828I, M560I.
Identifiers: ClinVar variation 3890971 (VCV003890971.1).

ClinVar aggregate classification (germline): Uncertain significance (1 of 4 stars; one submission).

Conditions:
Hereditary cancer-predisposing syndrome. Also called: Tumor predisposition; Neoplastic Syndromes, Hereditary; Hereditary Cancer Syndrome; Hereditary neoplastic syndrome. Identifiers: Orphanet 140162, MedGen C0027672, MeSH D009386, MONDO:0015356.

Submission:

Ambry Genetics
Classification: Uncertain significance for Hereditary cancer-predisposing syndrome. Last evaluated: 2024-12-20. Review status: criteria provided, single submitter. Criteria: Ambry Variant Classification Scheme 2023. Collection method: clinical testing. Allele origin: germline.
Comment: The p.M817I variant (also known as c.2451G>A), located in coding exon 15 of the PMS2 gene, results from a G to A substitution at nucleotide position 2451. The methionine at codon 817 is replaced by isoleucine, an amino acid with highly similar properties. This amino acid position is conserved. In addition, this alteration is predicted to be deleterious by in silico analysis. Based on the available evidence, the clinical significance of this variant remains unclear.